The following is an entry in ClinVar:

NM_001023570.4(IQCB1):c.348A>G (p.Leu116=)

Gene: IQCB1 (IQ motif containing B1; minus strand). Cytogenetic location: 3q13.33.
Variant type: single nucleotide variant.
Coding change: c.348A>G on transcript NM_001023570.4 (MANE Select); coding-DNA position 348, A replaced by G.
Protein change: p.Leu116=; no amino-acid change (leucine 116 retained).
Molecular consequence: synonymous variant. On other transcripts: non-coding transcript variant (1).
Genome position (GRCh38, 1-based): chr3:121,826,096, T>C on the plus strand (A>G on the coding strand, the complement: IQCB1 is on the minus strand). VCF-style: chr3-121826096-T-C. GRCh37 (hg19) VCF-style: chr3-121544943-T-C.
Other names: c.348A>G (NM_001023570.3); c.348A>G, p.Leu116= (NM_001023571.4, NM_001319107.2).
Identifiers: ClinVar variation 342783 (VCV000342783.15), dbSNP rs139299149, ClinGen allele CA2567463.

ClinVar aggregate classification (germline): Conflicting classifications of pathogenicity. Review status: criteria provided, conflicting classifications (1 of 4 stars). 4 submissions from 4 submitters: Uncertain significance (1); Likely benign (2). 1 of the submissions does not count toward it. Last evaluated 2025-05-27.

Conditions:
IQCB1-related disorder. Also called: IQCB1-related condition.
Nephronophthisis. Also called: Juvenile Nephronophthisis. Identifiers: Orphanet 655, MedGen C0687120, MONDO:0019005, HP:0000090.
Senior-Loken syndrome 5 (SLSN5). Identifiers: Orphanet 3156, MedGen C1836517, MONDO:0012225, OMIM 609254.

Allele frequency attached by ClinVar (database versions not stated): gnomAD exomes 0.00004 and 0.00011; gnomAD 0.00005; ExAC 0.00006; 1000 Genomes Project 30x 0.00047; 1000 Genomes Project 0.00060.
gnomAD v4.1: 167 of 1,613,402 alleles (0.01%); highest among the groups gnomAD compares: East Asian, 0.37%; 2 homozygotes.

Submissions (4):

Labcorp Genetics (formerly Invitae), Labcorp
Classification: Likely benign for Nephronophthisis. Last evaluated: 2025-05-27. Review status: criteria provided, single submitter. Criteria: Invitae Variant Classification Sherloc (09022015). Collection method: clinical testing. Allele origin: germline.

Blueprint Genetics
Classification: Likely benign. Last evaluated: 2020-04-06. Review status: criteria provided, single submitter. Criteria: ACMG Guidelines, 2015. Collection method: clinical testing. Allele origin: germline.

Illumina Laboratory Services, Illumina
Classification: Uncertain significance for Senior-Loken syndrome 5. Last evaluated: 2018-01-13. Review status: criteria provided, single submitter. Criteria: ICSL Variant Classification Criteria 13 December 2019. Collection method: clinical testing. Allele origin: germline.

PreventionGenetics, part of Exact Sciences
Classification: Likely benign for IQCB1-related condition. Last evaluated: 2019-07-10. Review status: no assertion criteria provided. Collection method: clinical testing. Allele origin: germline. Not counted in ClinVar's aggregate classification.
Comment: This variant is classified as likely benign based on ACMG/AMP sequence variant interpretation guidelines (Richards et al. 2015 PMID: 25741868, with internal and published modifications).